The following is an entry in ClinVar:

NM_206933.4(USH2A):c.13126T>G (p.Trp4376Gly)

Gene: USH2A (usherin; minus strand). Cytogenetic location: 1q41.
Variant type: single nucleotide variant.
Coding change: c.13126T>G on transcript NM_206933.4 (MANE Select); coding-DNA position 13126, T replaced by G.
Protein change: p.Trp4376Gly; replaces tryptophan 4376 with glycine.
Molecular consequence: missense variant.
Genome position (GRCh38, 1-based): chr1:215,674,785, A>C on the plus strand (T>G on the coding strand, the complement: USH2A is on the minus strand). VCF-style: chr1-215674785-A-C. GRCh37 (hg19) VCF-style: chr1-215848127-A-C.
Other names: short protein forms W4376G.
Identifiers: ClinVar variation 438010 (VCV000438010.13), dbSNP rs775490668, ClinGen allele CA1393346.

ClinVar aggregate classification (germline): Uncertain significance. Review status: criteria provided, multiple submitters, no conflicts (2 of 4 stars). 8 submissions from 7 submitters: Uncertain significance (5). 3 of the submissions do not count toward it. Last evaluated 2023-11-13.

Conditions:
Retinitis pigmentosa (RP). Identifiers: Orphanet 791, MedGen C0035334, MeSH D012174, MONDO:0019200, OMIM 268000. Inheritance: Autosomal dominant, autosomal recessive and X linked inheritance.
Retinitis pigmentosa 39 (RP39). Identifiers: Orphanet 791, MedGen C3151138, MONDO:0013436, OMIM 613809.
Usher syndrome type 2A. Also called: RETINAL DISEASE IN USHER SYNDROME TYPE IIA, MODIFIER OF; USHER SYNDROME, TYPE IIA. Identifiers: Orphanet 231178, Orphanet 886, MedGen C1848634, MONDO:0010169, OMIM 276901.

Allele frequency attached by ClinVar (database versions not stated): gnomAD below 0.00001 and 0.00001; TOPMed below 0.00001; ExAC 0.00002.
gnomAD v4.1: 15 of 1,614,058 alleles (0.00093%); highest among the groups gnomAD compares: South Asian, 0.016%; no homozygotes.

Submissions (8):

Women's Health and Genetics/Laboratory Corporation of America, LabCorp
Classification: Uncertain significance. Last evaluated: 2023-11-13. Review status: criteria provided, single submitter. Criteria: LabCorp Variant Classification Summary - May 2015. Collection method: clinical testing. Allele origin: germline.
Comment: Variant summary: USH2A c.13126T>G (p.Trp4376Gly) results in a non-conservative amino acid change located in the Fibronectin type III domain of the encoded protein sequence. Five of five in-silico tools predict a damaging effect of the variant on protein function. The variant allele was found at a frequency of 2.4e-05 in 250730 control chromosomes. The available data on variant occurrences in the general population are insufficient to allow any conclusion about variant significance.c.13126T>G has been reported in the literature in two individuals affected with retinitis pigmentosa (Carss_2017). This report does not provide unequivocal conclusions about association of the variant with Usher Syndrome. To our knowledge, no experimental evidence demonstrating an impact on protein function has been reported. The following publications have been ascertained in the context of this evaluation (PMID: 28041643, 32581362, 32176120). Four submitters have cited clinical-significance assessments for this variant to ClinVar after 2014. Based on the evidence outlined above, the variant was classified as uncertain significance.

Genome-Nilou Lab
Classification: Uncertain significance for Retinitis pigmentosa 39. Last evaluated: 2023-11-04. Review status: criteria provided, single submitter. Criteria: ACMG Guidelines, 2015. Collection method: clinical testing. Allele origin: germline. Affected: no.

Genome-Nilou Lab
Classification: Uncertain significance for Usher syndrome type 2A. Last evaluated: 2023-11-04. Review status: criteria provided, single submitter. Criteria: ACMG Guidelines, 2015. Collection method: clinical testing. Allele origin: germline. Affected: no.

Blueprint Genetics
Classification: Uncertain significance. Last evaluated: 2023-01-13. Review status: criteria provided, single submitter. Criteria: ACMG Guidelines, 2015. Collection method: clinical testing. Allele origin: germline.

Labcorp Genetics (formerly Invitae), Labcorp
Classification: Uncertain significance. Last evaluated: 2022-08-15. Review status: criteria provided, single submitter. Criteria: Invitae Variant Classification Sherloc (09022015). Collection method: clinical testing. Allele origin: germline.
Comment: This sequence change replaces tryptophan, which is neutral and slightly polar, with glycine, which is neutral and non-polar, at codon 4376 of the USH2A protein (p.Trp4376Gly). This variant is present in population databases (rs775490668, gnomAD 0.02%). This missense change has been observed in individual(s) with retinitis pigmentosa (PMID: 32581362). ClinVar contains an entry for this variant (Variation ID: 438010). Algorithms developed to predict the effect of missense changes on protein structure and function (SIFT, PolyPhen-2, Align-GVGD) all suggest that this variant is likely to be disruptive. In summary, the available evidence is currently insufficient to determine the role of this variant in disease. Therefore, it has been classified as a Variant of Uncertain Significance.

Natera, Inc.
Classification: Uncertain significance for Usher syndrome type 2A. Last evaluated: 2020-04-20. Review status: no assertion criteria provided. Collection method: clinical testing. Allele origin: germline. Not counted in ClinVar's aggregate classification.

Counsyl
Classification: Uncertain significance for Usher syndrome type 2A; Retinitis pigmentosa 39. Last evaluated: 2017-11-17. Review status: no assertion criteria provided. Collection method: clinical testing. Allele origin: unknown. Not counted in ClinVar's aggregate classification.

NIHR Bioresource Rare Diseases, University of Cambridge
Classification: Likely pathogenic for Retinitis pigmentosa. Last evaluated: 2015-01-01. Review status: no assertion criteria provided. Collection method: research. Allele origin: unknown. Affected: yes. Observed: 2 variant alleles. Not counted in ClinVar's aggregate classification.

Literature cited by the submitters: PubMed 28041643 (cited by 3 submitters); PubMed 32581362 (cited by Women's Health and Genetics/Laboratory Corporation of America, LabCorp and Labcorp Genetics (formerly Invitae), Labcorp); PubMed 32176120 (cited by Women's Health and Genetics/Laboratory Corporation of America, LabCorp).